The following is an entry in ClinVar:

ClinVar aggregate classification (germline): Uncertain significance (1 of 4 stars; one submission).

Conditions:
Hereditary cancer-predisposing syndrome. Also called: Neoplastic Syndromes, Hereditary; Hereditary Cancer Syndrome; Tumor predisposition; Hereditary neoplastic syndrome. Identifiers: Orphanet 140162, MedGen C0027672, MeSH D009386, MONDO:0015356.

Submission:

Ambry Genetics
Classification: Uncertain significance for Hereditary cancer-predisposing syndrome. Last evaluated: 2025-02-08. Review status: criteria provided, single submitter. Criteria: Ambry Variant Classification Scheme 2023. Collection method: clinical testing. Allele origin: germline.
Comment: The p.I638L variant (also known as c.1912A>C), located in coding exon 15 of the POLD1 gene, results from an A to C substitution at nucleotide position 1912. The isoleucine at codon 638 is replaced by leucine, an amino acid with highly similar properties. This amino acid position is conserved. In addition, this alteration is predicted to be tolerated by in silico analysis. Based on the available evidence, the clinical significance of this variant remains unclear.

NM_002691.4(POLD1):c.1912A>C (p.Ile638Leu)

Gene: POLD1 (DNA polymerase delta 1, catalytic subunit; plus strand). Cytogenetic location: 19q13.33.
Variant type: single nucleotide variant.
Coding change: c.1912A>C on transcript NM_002691.4 (MANE Select); coding-DNA position 1912, A replaced by C.
Protein change: p.Ile638Leu; replaces isoleucine 638 with leucine.
Molecular consequence: missense variant. On other transcripts: non-coding transcript variant (1).
Genome position (GRCh38, 1-based): chr19:50,409,141, A>C. VCF-style: chr19-50409141-A-C. GRCh37 (hg19) VCF-style: chr19-50912398-A-C.
Other names: c.1912A>C, p.Ile638Leu (NM_001256849.1); c.1990A>C, p.Ile664Leu (NM_001308632.1); short protein forms I638L, I664L.
Identifiers: ClinVar variation 3781405 (VCV003781405.1).